The following is an entry in ClinVar:

NM_001127222.2(CACNA1A):c.757C>T (p.His253Tyr)

Gene: CACNA1A (calcium voltage-gated channel subunit alpha1 A; minus strand). Cytogenetic location: 19p13.13.
Variant type: single nucleotide variant.
Coding change: c.757C>T on transcript NM_001127222.2 (MANE Select); coding-DNA position 757, C replaced by T.
Protein change: p.His253Tyr; replaces histidine 253 with tyrosine.
Molecular consequence: missense variant.
Genome position (GRCh38, 1-based): chr19:13,365,344, G>A on the plus strand (C>T on the coding strand, the complement: CACNA1A is on the minus strand). VCF-style: chr19-13365344-G-A. GRCh37 (hg19) VCF-style: chr19-13476158-G-A.
Other names: c.757C>T, p.His253Tyr (NM_000068.4, NM_001127221.2, NM_001174080.2 and 1 more transcripts); short protein forms H253Y.
Identifiers: ClinVar variation 68442 (VCV000068442.10), dbSNP rs121908228, ClinGen allele CA266080.

ClinVar aggregate classification (germline): Likely pathogenic. Review status: criteria provided, multiple submitters, no conflicts (2 of 4 stars). 3 submissions from 3 submitters: Likely pathogenic (2). 1 of the submissions does not count toward it. Last evaluated 2019-07-31.

Conditions:
Episodic ataxia type 2 (EA2). Also called: EPISODIC ATAXIA, NYSTAGMUS-ASSOCIATED; ACETAZOLAMIDE-RESPONSIVE HEREDITARY PAROXYSMAL CEREBELLAR ATAXIA; ATAXIA, EPISODIC, WITH NYSTAGMUS; ATAXIA, FAMILIAL PAROXYSMAL; CEREBELLAR ATAXIA, PAROXYSMAL, ACETAZOLAMIDE-RESPONSIVE; CEREBELLOPATHY, HEREDITARY PAROXYSMAL. Identifiers: Orphanet 97, MedGen C1720416, MONDO:0007163, OMIM 108500.
Developmental and epileptic encephalopathy, 42 (DEE42A). Also called: DEVELOPMENTAL AND EPILEPTIC ENCEPHALOPATHY 42A; EPILEPTIC ENCEPHALOPATHY, EARLY INFANTILE, 42A; Epileptic encephalopathy, early infantile, 42. Identifiers: MedGen C4310716, MONDO:0014917, OMIM 617106.

Submissions (3):

Labcorp Genetics (formerly Invitae), Labcorp
Classification: Likely pathogenic for Developmental and epileptic encephalopathy, 42; Episodic ataxia type 2. Last evaluated: 2019-07-31. Review status: criteria provided, single submitter. Criteria: Invitae Variant Classification Sherloc (09022015). Collection method: clinical testing. Allele origin: germline.
Comment: In summary, the currently available evidence indicates that the variant is pathogenic, but additional data are needed to prove that conclusively. Therefore, this variant has been classified as Likely Pathogenic. This sequence change replaces histidine with tyrosine at codon 253 of the CACNA1A protein (p.His253Tyr). The histidine residue is highly conserved and there is a moderate physicochemical difference between histidine and tyrosine. This variant is not present in population databases (ExAC no frequency). This variant has been observed to segregate with episodic ataxia type 2 in a family (PMID: 12420090). ClinVar contains an entry for this variant (Variation ID: 68442). Algorithms developed to predict the effect of missense changes on protein structure and function (SIFT, PolyPhen-2, Align-GVGD) all suggest that this variant is likely to be disruptive, but these predictions have not been confirmed by published functional studies and their clinical significance is uncertain.

Center of Genomic medicine, Geneva, University Hospital of Geneva
Classification: Likely pathogenic for Episodic ataxia type 2. Last evaluated: 2016-02-19. Review status: criteria provided, single submitter. Criteria: ACMG Guidelines, 2015. Collection method: clinical testing. Allele origin: germline. Affected: yes.

UniProtKB/Swiss-Prot
No classification provided. Condition: Episodic ataxia type 2. Review status: no classification provided. Collection method: not provided. Allele origin: germline. Not counted in ClinVar's aggregate classification.

Literature cited by the submitters: PubMed 12420090 (cited by Labcorp Genetics (formerly Invitae), Labcorp).